The following is an entry in ClinVar:

ClinVar aggregate classification (germline): Pathogenic (1 of 4 stars; one submission).

Conditions:
Psychomotor regression-oculomotor apraxia-movement disorder-nephropathy syndrome (BILAPES). Also called: Birk-Landau-Perez syndrome. Identifiers: Orphanet 505242, MedGen C4539828, MONDO:0044726, OMIM 617595.

gnomAD v4.1: 3 of 1,598,724 alleles (0.00019%); highest among the groups gnomAD compares: Non-Finnish European, 0.00026%; no homozygotes.

Submission:

Women's Health and Genetics/Laboratory Corporation of America, LabCorp
Classification: Pathogenic for Psychomotor regression-oculomotor apraxia-movement disorder-nephropathy syndrome. Last evaluated: 2025-01-13. Review status: criteria provided, single submitter. Criteria: LabCorp Variant Classification Summary - May 2015. Collection method: clinical testing. Allele origin: germline.
Comment: Variant summary: SLC30A9 c.143C>A (p.Ser48X) results in a premature termination codon, predicted to cause absence of the protein due to nonsense mediated decay, which is a commonly known mechanisms for disease. The variant allele was found at a frequency of 8.2e-06 in 243490 control chromosomes. To our knowledge, no occurrence of c.143C>A in individuals affected with Psychomotor Regression-Oculomotor Apraxia-Movement Disorder-Nephropathy Syndrome and no experimental evidence demonstrating its impact on protein function have been reported. No submitters have cited clinical-significance assessments for this variant to ClinVar. Based on the evidence outlined above, the variant was classified as pathogenic.

NM_006345.4(SLC30A9):c.143C>A (p.Ser48Ter)

Gene: SLC30A9 (solute carrier family 30 member 9; plus strand). Cytogenetic location: 4p13.
Variant type: single nucleotide variant.
Coding change: c.143C>A on transcript NM_006345.4 (MANE Select); coding-DNA position 143, C replaced by A.
Protein change: p.Ser48Ter; replaces serine 48 with a stop codon.
Molecular consequence: nonsense.
Genome position (GRCh38, 1-based): chr4:42,001,649, C>A. VCF-style: chr4-42001649-C-A. GRCh37 (hg19) VCF-style: chr4-42003666-C-A.
Other names: short protein forms S48*.
Identifiers: ClinVar variation 3769130 (VCV003769130.2).
Genomic context (GRCh38, chr4:42,001,649, plus strand): 5'-TTAAAGTATATATATTTTTTCTTTTAGAGTGGCAGAATTTAGTGACATTTGGAAGCTTTT[C>A]AAACATGGTTCCCTGTAGTCATCCATATATTGGTACCCTGAGTCAAGTAAAGTTGTACTC-3'